The following is an entry in ClinVar:

NM_138801.3(GALM):c.661_663del (p.Ala221del)

Gene: GALM (galactose mutarotase; plus strand). Cytogenetic location: 2p22.1.
Variant type: Deletion.
Coding change: c.661_663del on transcript NM_138801.3 (MANE Select); coding-DNA positions 661 to 663, 3 bases deleted (GCA; older notation c.661_663delGCA).
Protein change: p.Ala221del; deletes alanine 221.
Molecular consequence: inframe deletion.
Genome position (GRCh38, 1-based): chr2:38,729,582-38,729,584, GCA deleted. VCF-style (leftmost placement, unchanged base first): chr2-38729581-TGCA-T. GRCh37 (hg19) VCF-style: chr2-38956723-TGCA-T.
Other names: short protein forms A221del.
Identifiers: ClinVar variation 1687267 (VCV001687267.1), dbSNP rs1666556107, ClinGen allele CA1029545130.

ClinVar aggregate classification (germline): Uncertain significance (1 of 4 stars; one submission).

Conditions:
Galactosemia 4. Also called: GALACTOSE MUTAROTASE DEFICIENCY; GALACTOSEMIA IV. Identifiers: Orphanet 570422, MedGen C5394377, MONDO:0030105, OMIM 618881.

Allele frequency attached by ClinVar (database versions not stated): gnomAD exomes below 0.00001; gnomAD 0.00001.

Submission:

3billion
Classification: Uncertain significance for Galactosemia 4. Last evaluated: 2022-05-22. Review status: criteria provided, single submitter. Criteria: ACMG Guidelines, 2015. Collection method: clinical testing. Allele origin: germline. Affected: yes. Observed: 1 homozygote.
Comment: The variant is not observed in the gnomAD v2.1.1 dataset. Inframe deletion located in a nonrepeat region: predicted to change the length of the protein and disrupt normal protein function. Therefore, this variant is classified as uncertain significanceaccording to the recommendation of ACMG/AMP guideline.